The following is an entry in ClinVar:

ClinVar aggregate classification (germline): Conflicting classifications of pathogenicity. Review status: criteria provided, conflicting classifications (1 of 4 stars). 4 submissions from 4 submitters: Uncertain significance (1); Likely benign (2). 1 of the submissions does not count toward it. Last evaluated 2026-02-02.

Conditions:
CHRNB1-related disorder. Also called: CHRNB1-related condition.
Congenital myasthenic syndrome 2A. Also called: Myasthenic syndrome, congenital, 2a, slow-channel. Identifiers: Orphanet 590, MedGen C4225374, MONDO:0014581, OMIM 616313.
Congenital myasthenic syndrome 4C (CMS4C). Also called: Myasthenic syndrome, congenital, associated with acetylcholine receptor deficiency. Identifiers: Orphanet 590, MedGen C1837091, MONDO:0012157, OMIM 608931.

Allele frequency attached by ClinVar (database versions not stated): TOPMed 0.00017; gnomAD 0.00019 and 0.00020; ExAC 0.00023; gnomAD exomes 0.00024; 1000 Genomes Project 30x 0.00031; ESP Exome Variant Server 0.00031; 1000 Genomes Project 0.00040.
gnomAD v4.1: 487 of 1,614,190 alleles (0.03%); highest among the groups gnomAD compares: Non-Finnish European, 0.039%; no homozygotes.

Submissions (4):

Labcorp Genetics (formerly Invitae), Labcorp
Classification: Likely benign for Congenital myasthenic syndrome 2A. Last evaluated: 2026-02-02. Review status: criteria provided, single submitter. Criteria: Invitae Variant Classification Sherloc (09022015). Collection method: clinical testing. Allele origin: germline.

Blueprint Genetics
Classification: Likely benign. Last evaluated: 2024-09-18. Review status: criteria provided, single submitter. Criteria: ACMG Guidelines, 2015. Collection method: clinical testing. Allele origin: germline.

Illumina Laboratory Services, Illumina
Classification: Uncertain significance for Congenital myasthenic syndrome 4C. Last evaluated: 2018-01-12. Review status: criteria provided, single submitter. Criteria: ICSL Variant Classification Criteria 13 December 2019. Collection method: clinical testing. Allele origin: germline.

PreventionGenetics, part of Exact Sciences
Classification: Likely benign for CHRNB1-related condition. Last evaluated: 2019-08-09. Review status: no assertion criteria provided. Collection method: clinical testing. Allele origin: germline. Not counted in ClinVar's aggregate classification.
Comment: This variant is classified as likely benign based on ACMG/AMP sequence variant interpretation guidelines (Richards et al. 2015 PMID: 25741868, with internal and published modifications).

NM_000747.3(CHRNB1):c.564C>T (p.Asp188=)

Gene: CHRNB1 (cholinergic receptor nicotinic beta 1 subunit; plus strand). Cytogenetic location: 17p13.1.
Variant type: single nucleotide variant.
Coding change: c.564C>T on transcript NM_000747.3 (MANE Select); coding-DNA position 564, C replaced by T.
Protein change: p.Asp188=; no amino-acid change (aspartic acid 188 retained).
Molecular consequence: synonymous variant.
Genome position (GRCh38, 1-based): chr17:7,447,604, C>T. VCF-style: chr17-7447604-C-T. GRCh37 (hg19) VCF-style: chr17-7350923-C-T.
Identifiers: ClinVar variation 542758 (VCV000542758.20), dbSNP rs77592498, ClinGen allele CA8347811.
Genomic context (GRCh38, chr17:7,447,604, plus strand): 5'-GTTCAGCTCCTACAGCTACGACAGCTCGGAGGTCAGCCTGCAGACAGGCCTGGGTCCTGA[C>T]GGGCAAGGGCATCAGGAAATCCACATTCATGAAGGGACTTTCATTGGTGAGTAGGCATGG-3'
Protein context (NP_000738.2, residues 178-198): EVSLQTGLGP[Asp188=]GQGHQEIHIH